The following is an entry in ClinVar:

ClinVar aggregate classification (germline): Benign/Likely benign. Review status: criteria provided, multiple submitters, no conflicts (2 of 4 stars). 3 submissions from 3 submitters: Benign (1); Likely benign (2). Last evaluated 2026-08-05.

Conditions:
Pheochromocytoma/paraganglioma syndrome 2. Also called: SDHAF2-Related Hereditary Paraganglioma-Pheochromocytoma Syndrome; GLOMUS TUMORS, FAMILIAL, 2; Paragangliomas 2; SDHAF2-Related Hereditary Paraganglioma-Pheochromocytoma Syndrome (Paragangliomas 2). Identifiers: Orphanet 29072, MedGen C1866552, MONDO:0011121, OMIM 601650.
Hereditary cancer-predisposing syndrome. Also called: Hereditary Cancer Syndrome; Hereditary neoplastic syndrome; Neoplastic Syndromes, Hereditary; Tumor predisposition. Identifiers: Orphanet 140162, MedGen C0027672, MeSH D009386, MONDO:0015356.
Hereditary pheochromocytoma and paraganglioma. Also called: Hereditary paragangliomas and pheochromocytomas; Hereditary Paraganglioma-Pheochromocytoma Syndromes; Hereditary pheochromocytoma-paraganglioma. Identifiers: Orphanet 29072, MedGen C4274332, MONDO:0017366.

Submissions (3):

Myriad Genetics, Inc.
Classification: Benign for Pheochromocytoma/paraganglioma syndrome 2. Last evaluated: 2026-08-05. Review status: criteria provided, single submitter. Criteria: Myriad Autosomal Dominant, Autosomal Recessive and X-Linked Classification Criteria (2023). Collection method: clinical testing. Allele origin: unknown.
Comment: This variant is considered benign. This variant is a silent/synonymous amino acid change and it is not expected to impact splicing.

Labcorp Genetics (formerly Invitae), Labcorp
Classification: Likely benign for Hereditary pheochromocytoma and paraganglioma. Last evaluated: 2024-04-22. Review status: criteria provided, single submitter. Criteria: Invitae Variant Classification Sherloc (09022015). Collection method: clinical testing. Allele origin: germline.

Ambry Genetics
Classification: Likely benign for Hereditary cancer-predisposing syndrome. Last evaluated: 2023-09-15. Review status: criteria provided, single submitter. Criteria: Ambry Variant Classification Scheme 2023. Collection method: clinical testing. Allele origin: germline.

NM_017841.4(SDHAF2):c.66G>A (p.Leu22=)

Gene: SDHAF2 (succinate dehydrogenase complex assembly factor 2; plus strand). Cytogenetic location: 11q12.2.
Variant type: single nucleotide variant.
Coding change: c.66G>A on transcript NM_017841.4 (MANE Select); coding-DNA position 66, G replaced by A.
Protein change: p.Leu22=; no amino-acid change (leucine 22 retained).
Molecular consequence: synonymous variant.
Genome position (GRCh38, 1-based): chr11:61,437,654, G>A. VCF-style: chr11-61437654-G-A. GRCh37 (hg19) VCF-style: chr11-61205126-G-A.
Other names: c.66G>A (NM_017841.2).
Identifiers: ClinVar variation 1146403 (VCV001146403.11), dbSNP rs766468929, ClinGen allele CA474519812.